The following is an entry in ClinVar:

NM_000531.6(OTC):c.604C>G (p.His202Asp)

Gene: OTC (ornithine transcarbamylase; plus strand). Cytogenetic location: Xp11.4.
Variant type: single nucleotide variant.
Coding change: c.604C>G on transcript NM_000531.6 (MANE Select); coding-DNA position 604, C replaced by G.
Protein change: p.His202Asp; replaces histidine 202 with aspartic acid.
Molecular consequence: missense variant.
Genome position (GRCh38, 1-based): chrX:38,403,681, C>G. VCF-style: chrX-38403681-C-G. GRCh37 (hg19) VCF-style: chrX-38262934-C-G.
Other names: short protein forms H202D.
Identifiers: ClinVar variation 949644 (VCV000949644.10), dbSNP rs72558408, ClinGen allele CA412725595.
Genomic context (GRCh38, chrX:38,403,681, plus strand): 5'-CACTATAGCTCTCTGAAAGGTCTTACCCTCAGCTGGATCGGGGATGGGAACAATATCCTG[C>G]ACTCCATCATGATGAGCGCAGCGAAATTCGGAATGCACCTTCAGGCAGCTACTCCAAAGG-3'
Protein context (NP_000522.3, residues 192-212): SWIGDGNNIL[His202Asp]SIMMSAAKFG

ClinVar aggregate classification (germline): Likely pathogenic (1 of 4 stars; one submission).

Conditions:
Ornithine carbamoyltransferase deficiency (OTCD). Also called: ORNITHINE TRANSCARBAMYLASE DEFICIENCY; ORNITHINE TRANSCARBAMYLASE DEFICIENCY, HYPERAMMONEMIA DUE TO; OTC DEFICIENCY; Ornithine Carbamoyltransferase Deficiency Disease. Identifiers: Orphanet 664, MedGen C0268542, MONDO:0010703, OMIM 311250.

Submission:

Labcorp Genetics (formerly Invitae), Labcorp
Classification: Likely pathogenic for Ornithine carbamoyltransferase deficiency. Last evaluated: 2023-03-23. Review status: criteria provided, single submitter. Criteria: Invitae Variant Classification Sherloc (09022015). Collection method: clinical testing. Allele origin: germline.
Comment: This sequence change replaces histidine, which is basic and polar, with aspartic acid, which is acidic and polar, at codon 202 of the OTC protein (p.His202Asp). This variant is not present in population databases (gnomAD no frequency). This missense change has been observed in individual(s) with OTC-related conditions (Invitae). ClinVar contains an entry for this variant (Variation ID: 949644). Advanced modeling of protein sequence and biophysical properties (such as structural, functional, and spatial information, amino acid conservation, physicochemical variation, residue mobility, and thermodynamic stability) performed at Invitae indicates that this missense variant is expected to disrupt OTC protein function. This variant disrupts the p.His202 amino acid residue in OTC. Other variant(s) that disrupt this residue have been determined to be pathogenic (PMID: 9266388, 9501271, 17334707, 25433810, 30285816). This suggests that this residue is clinically significant, and that variants that disrupt this residue are likely to be disease-causing. In summary, the currently available evidence indicates that the variant is pathogenic, but additional data are needed to prove that conclusively. Therefore, this variant has been classified as Likely Pathogenic.

Literature cited by the submitters: PubMed 9266388; PubMed 9501271; PubMed 17334707; PubMed 25433810; PubMed 30285816.